The following is an entry in ClinVar:

NM_004656.4(BAP1):c.437G>C (p.Arg146Thr)

Gene: BAP1 (BRCA1 associated deubiquitinase 1; minus strand). Cytogenetic location: 3p21.1.
Variant type: single nucleotide variant.
Coding change: c.437G>C on transcript NM_004656.4 (MANE Select); coding-DNA position 437, G replaced by C.
Protein change: p.Arg146Thr; replaces arginine 146 with threonine.
Molecular consequence: missense variant.
Genome position (GRCh38, 1-based): chr3:52,407,399, C>G on the plus strand (G>C on the coding strand, the complement: BAP1 is on the minus strand). VCF-style: chr3-52407399-C-G. GRCh37 (hg19) VCF-style: chr3-52441415-C-G.
Other names: c.437G>C (NM_004656.2); short protein forms R146T.
Identifiers: ClinVar variation 1698836 (VCV001698836.3), dbSNP rs1705201387, ClinGen allele CA353110648.
Genomic context (GRCh38, chr3:52,407,399, plus strand): 5'-CCCAAAAAATGATACTCCCCCTACTCCCACCCCACATCAGCTCCCACAGCTCCCACACAC[C>G]TGGCATGGCTATTATGGGCCTTGGCCAACTCCGGGGCATTGCCAATCGCATATCCTTTGC-3'
Protein context (NP_004647.1, residues 136-156): ELAKAHNSHA[Arg146Thr]PEPRHLPEKQ

ClinVar aggregate classification (germline): Likely pathogenic. Review status: criteria provided, multiple submitters, no conflicts (2 of 4 stars). 2 submissions from 2 submitters: Likely pathogenic (2). Last evaluated 2025-03-26.

Conditions:
Astrocytoma. Also called: Astrocytoma (excluding glioblastoma). Identifiers: MedGen C0004114, MeSH D001254, MONDO:0019781, HP:0009592.
Hereditary cancer-predisposing syndrome. Also called: Hereditary neoplastic syndrome; Tumor predisposition; Neoplastic Syndromes, Hereditary; Hereditary Cancer Syndrome. Identifiers: Orphanet 140162, MedGen C0027672, MeSH D009386, MONDO:0015356.

Submissions (2):

Ambry Genetics
Classification: Likely pathogenic for Hereditary cancer-predisposing syndrome. Last evaluated: 2025-03-26. Review status: criteria provided, single submitter. Criteria: Ambry Variant Classification Scheme 2023. Collection method: clinical testing. Allele origin: germline.
Comment: The p.R146T variant (also known as c.437G>C), located in coding exon 6 of the BAP1 gene, results from a G to C substitution at nucleotide position 437. The arginine at codon 146 is replaced by threonine, an amino acid with similar properties. However, this change occurs in the last base pair of coding exon 6, which makes it likely to have some effect on normal mRNA splicing. This alteration was non-functional in a high throughput genome editing haploid cell survival functional assay (Waters AJ et al. Nat Genet, 2024 Jul;56:1434-1445). This variant was identified in an individual diagnosed with a melanocytic BAP1-associated intradermal tumor (MBAIT) that showed loss of BAP1 on immunohistochemistry (Cabaret O et al. Genes Chromosomes Cancer, 2017 Sep;56:691-694). This variant is considered to be rare based on population cohorts in the Genome Aggregation Database (gnomAD). This nucleotide position is highly conserved in available vertebrate species. This amino acid position is highly conserved in available vertebrate species. In silico splice site analysis predicts that this alteration will weaken the native splice donor site. In addition, as a missense substitution this is predicted to be inconclusive by in silico analysis. Based on the majority of available evidence to date, this variant is likely to be pathogenic.

Genetics and Molecular Pathology, SA Pathology
Classification: Likely pathogenic for Astrocytoma. Last evaluated: 2022-06-01. Review status: criteria provided, single submitter. Criteria: ACMG Guidelines, 2015. Collection method: clinical testing. Allele origin: germline. Inheritance: Autosomal dominant inheritance. Affected: yes.

Literature cited by the submitters: PubMed 28560743 (cited by Ambry Genetics); PubMed 38969833 (cited by Ambry Genetics).